The following is an entry in ClinVar:

ClinVar aggregate classification (germline): Uncertain significance. Review status: criteria provided, multiple submitters, no conflicts (2 of 4 stars). 4 submissions from 4 submitters: Uncertain significance (4). Last evaluated 2026-01-29.

Conditions:
Severe combined immunodeficiency, autosomal recessive, T cell-negative, B cell-negative, NK cell-positive. Also called: SCID, AR, T-cell negative, B-cell negative, NK cell-positive; SCID, T CELL-NEGATIVE, B CELL-NEGATIVE, NK CELL-POSITIVE; Severe combined immunodeficiency due to complete RAG1/2 deficiency. Identifiers: Orphanet 331206, MedGen C1832322, MONDO:0011086, OMIM 601457.
Combined immunodeficiency with skin granulomas. Identifiers: Orphanet 157949, MedGen C2673536, MONDO:0009306, OMIM 233650.
Histiocytic medullary reticulosis. Also called: SEVERE COMBINED IMMUNODEFICIENCY WITH HYPEREOSINOPHILIA; Omenn syndrome. Identifiers: Orphanet 39041, MedGen C2700553, MONDO:0011338, OMIM 603554.
Combined immunodeficiency due to partial RAG1 deficiency. Identifiers: Orphanet 231154, MedGen C1835931, MONDO:0012359, OMIM 609889.

Allele frequency attached by ClinVar (database versions not stated): gnomAD 0.00007 and 0.00009; TOPMed 0.00008; ESP Exome Variant Server 0.00015; 1000 Genomes Project 0.00020; 1000 Genomes Project 30x 0.00031; gnomAD exomes 0.00020.
gnomAD v4.1: 297 of 1,614,028 alleles (0.018%); highest among the groups gnomAD compares: Non-Finnish European, 0.024%; no homozygotes.

Submissions (4):

Women's Health and Genetics/Laboratory Corporation of America, LabCorp
Classification: Uncertain significance. Last evaluated: 2026-01-29. Review status: criteria provided, single submitter. Criteria: LabCorp Variant Classification Summary - May 2015. Collection method: clinical testing. Allele origin: germline.
Comment: Variant summary: RAG1 c.2753G>A (p.Arg918His) results in a non-conservative amino acid change in the encoded protein sequence. Algorithms developed to predict the effect of missense changes on protein structure and function all suggest that this variant is likely to be disruptive. The variant allele was found at a frequency of 3.6e-05 in 249262 control chromosomes. The available data on variant occurrences in the general population are insufficient to allow any conclusion about variant significance. To our knowledge, no occurrence of c.2753G>A in individuals affected with RAG1-related conditions and no experimental evidence demonstrating its impact on protein function have been reported. ClinVar contains an entry for this variant (Variation ID: 850980). Based on the evidence outlined above, the variant was classified as uncertain significance.

CeGaT Center for Human Genetics Tuebingen
Classification: Uncertain significance. Last evaluated: 2024-10-01. Review status: criteria provided, single submitter. Criteria: CeGaT Center For Human Genetics Tuebingen Variant Classification Criteria Version 2. Collection method: clinical testing. Allele origin: germline. Affected: yes. Observed: 1 variant allele.
Comment: RAG1: PP3

Labcorp Genetics (formerly Invitae), Labcorp
Classification: Uncertain significance for Combined immunodeficiency with skin granulomas; Severe combined immunodeficiency, autosomal recessive, T cell-negative, B cell-negative, NK cell-positive. Last evaluated: 2021-08-27. Review status: criteria provided, single submitter. Criteria: Invitae Variant Classification Sherloc (09022015). Collection method: clinical testing. Allele origin: germline.
Comment: This sequence change replaces arginine with histidine at codon 918 of the RAG1 protein (p.Arg918His). The arginine residue is highly conserved and there is a small physicochemical difference between arginine and histidine. This variant is present in population databases (rs368073575, ExAC 0.02%). This variant has not been reported in the literature in individuals affected with RAG1-related conditions. Algorithms developed to predict the effect of missense changes on protein structure and function are either unavailable or do not agree on the potential impact of this missense change (SIFT: "Deleterious"; PolyPhen-2: "Probably Damaging"; Align-GVGD: "Class C0"). In summary, the available evidence is currently insufficient to determine the role of this variant in disease. Therefore, it has been classified as a Variant of Uncertain Significance.

Fulgent Genetics
Classification: Uncertain significance for Combined immunodeficiency with skin granulomas; Severe combined immunodeficiency, autosomal recessive, T cell-negative, B cell-negative, NK cell-positive; Histiocytic medullary reticulosis; Combined immunodeficiency due to partial RAG1 deficiency. Last evaluated: 2021-08-04. Review status: criteria provided, single submitter. Criteria: ACMG Guidelines, 2015. Collection method: clinical testing. Allele origin: unknown.

NM_000448.3(RAG1):c.2753G>A (p.Arg918His)

Gene: RAG1 (recombination activating 1; plus strand). Cytogenetic location: 11p12.
Variant type: single nucleotide variant.
Coding change: c.2753G>A on transcript NM_000448.3 (MANE Select); coding-DNA position 2753, G replaced by A.
Protein change: p.Arg918His; replaces arginine 918 with histidine.
Molecular consequence: missense variant.
Genome position (GRCh38, 1-based): chr11:36,576,057, G>A. VCF-style: chr11-36576057-G-A. GRCh37 (hg19) VCF-style: chr11-36597607-G-A.
Other names: c.2753G>A, p.Arg918His (NM_001377277.1, NM_001377278.1, NM_001377279.1 and 1 more transcripts); short protein forms R918H.
Identifiers: ClinVar variation 850980 (VCV000850980.24), dbSNP rs368073575, ClinGen allele CA5950315.